The following is an entry in ClinVar:

NM_000094.4(COL7A1):c.5827G>C (p.Asp1943His)

Gene: COL7A1 (collagen type VII alpha 1 chain; minus strand). Cytogenetic location: 3p21.31.
Variant type: single nucleotide variant.
Coding change: c.5827G>C on transcript NM_000094.4 (MANE Select); coding-DNA position 5827, G replaced by C.
Protein change: p.Asp1943His; replaces aspartic acid 1943 with histidine.
Molecular consequence: missense variant.
Genome position (GRCh38, 1-based): chr3:48,575,896, C>G on the plus strand (G>C on the coding strand, the complement: COL7A1 is on the minus strand). VCF-style: chr3-48575896-C-G. GRCh37 (hg19) VCF-style: chr3-48613329-C-G.
Other names: short protein forms D1943H.
Identifiers: ClinVar variation 3628884 (VCV003628884.3).
Genomic context (GRCh38, chr3:48,575,896, plus strand): 5'-TGTCCCTACCCCCAGCCCCTAAACAACCCACCTTGATGCCAGCAGTTTCCAGCAACCGAT[C>G]CACATTCTGGGGACAAAGTCTGGGTGAAGGGCTGCCCATGACAGAGAAGCTCCTGCCTTC-3'
Protein context (NP_000085.1, residues 1933-1953): RGEPGSVPNV[Asp1943His]RLLETAGIKA

ClinVar aggregate classification (germline): Uncertain significance. Review status: criteria provided, multiple submitters, no conflicts (2 of 4 stars). 2 submissions from 2 submitters: Uncertain significance (2). Last evaluated 2026-06-22.

Conditions:
Inborn genetic diseases. Identifiers: MedGen C0950123, MeSH D030342.

Submissions (2):

Ambry Genetics
Classification: Uncertain significance for Inborn genetic diseases. Last evaluated: 2026-06-22. Review status: criteria provided, single submitter. Criteria: Ambry Variant Classification Scheme 2023. Collection method: clinical testing. Allele origin: germline.

Labcorp Genetics (formerly Invitae), Labcorp
Classification: Uncertain significance. Last evaluated: 2024-07-02. Review status: criteria provided, single submitter. Criteria: Invitae Variant Classification Sherloc (09022015). Collection method: clinical testing. Allele origin: germline.
Comment: This sequence change replaces aspartic acid, which is acidic and polar, with histidine, which is basic and polar, at codon 1943 of the COL7A1 protein (p.Asp1943His). This variant is not present in population databases (gnomAD no frequency). This variant has not been reported in the literature in individuals affected with COL7A1-related conditions. Advanced modeling of protein sequence and biophysical properties (such as structural, functional, and spatial information, amino acid conservation, physicochemical variation, residue mobility, and thermodynamic stability) performed at Invitae indicates that this missense variant is not expected to disrupt COL7A1 protein function with a negative predictive value of 95%. In summary, the available evidence is currently insufficient to determine the role of this variant in disease. Therefore, it has been classified as a Variant of Uncertain Significance.